The following is an entry in ClinVar:

ClinVar aggregate classification (germline): Benign (1 of 4 stars; one submission).

Allele frequency attached by ClinVar (database versions not stated): gnomAD 0.26279; TOPMed 0.26609; gnomAD exomes 0.29272; 1000 Genomes Project 0.30911.
gnomAD v4.1: 259,858 of 903,080 alleles (29%); highest among the groups gnomAD compares: South Asian, 38%; 39,554 homozygotes.

Submission:

Unidad de Genómica Garrahan, Hospital de Pediatría Garrahan
Classification: Benign. Last evaluated: 2024-01-24. Review status: criteria provided, single submitter. Criteria: ACMG Guidelines, 2015. Collection method: clinical testing. Allele origin: germline. Affected: no. Observed: 51 variant alleles.
Comment: This variant is classified as Benign based on local population frequency. This variant was detected in 54% of patients studied by a panel of primary immunodeficiencies. Number of patients: 51. Only high quality variants are reported.

NM_018518.5(MCM10):c.2238+80G>C

Gene: MCM10 (minichromosome maintenance 10 replication initiation factor; plus strand). Cytogenetic location: 10p13.
Variant type: single nucleotide variant.
Coding change: c.2238+80G>C on transcript NM_018518.5 (MANE Select); 80 bases into the intron after coding-DNA position 2238, G replaced by C.
Molecular consequence: intron variant.
Genome position (GRCh38, 1-based): chr10:13,198,887, G>C. VCF-style: chr10-13198887-G-C. GRCh37 (hg19) VCF-style: chr10-13240887-G-C.
Other names: c.2241+80G>C (NM_182751.3).
Identifiers: ClinVar variation 2688099 (VCV002688099.2), dbSNP rs4750317, ClinGen allele CA13237506.
Genomic context (GRCh38, chr10:13,198,887, plus strand): 5'-AGGATGGTGTTGATGTCCGATGTCCTTCAAAGCCAAGGTGCTAGCTGTAGGACCAAGAAT[G>C]TGTTGTTTGTTTTATTTTGTTTTTCTGAGACAGAGTCTCAGTCTGTGGCCCAGGCTGAAG-3'